The following is an entry in ClinVar:

NC_000020.10:g.(?_3208053)_(3210432_?)del

Gene: SLC4A11 (solute carrier family 4 member 11; minus strand). Cytogenetic location: 20p13.
Variant type: Deletion.
Identifiers: ClinVar variation 1065935 (VCV001065935.8).

ClinVar aggregate classification (germline): Likely pathogenic (1 of 4 stars; one submission).

Submission:

Labcorp Genetics (formerly Invitae), Labcorp
Classification: Likely pathogenic. Last evaluated: 2022-04-10. Review status: criteria provided, single submitter. Criteria: Invitae Variant Classification Sherloc (09022015). Collection method: clinical testing. Allele origin: germline.
Comment: In summary, the currently available evidence indicates that the variant is pathogenic, but additional data are needed to prove that conclusively. Therefore, this variant has been classified as Likely Pathogenic. This variant disrupts the p.Leu843 amino acid residue in SLC4A11. Other variant(s) that disrupt this residue have been determined to be pathogenic (PMID: 17220209, 24916015, 27057589, 29327391). This suggests that this residue is clinically significant, and that variants that disrupt this residue are likely to be disease-causing. This variant has not been reported in the literature in individuals affected with SLC4A11-related conditions. This variant is a gross deletion of the genomic region encompassing exon(s) 13-19 of the SLC4A11 gene, which includes the termination codon. This deletion extends beyond the assayed region for this gene and therefore may encompass additional genes. While this deletion is not anticipated to lead to nonsense mediated decay, it is expected to alter mRNA translation or result in a truncated protein product.

Literature cited by the submitters: PubMed 17220209; PubMed 24916015; PubMed 27057589; PubMed 29327391.